The following is an entry in ClinVar:

ClinVar aggregate classification (germline): Benign/Likely benign. Review status: criteria provided, multiple submitters, no conflicts (2 of 4 stars). 20 submissions from 19 submitters: Benign (15); Likely benign (4). 1 of the submissions does not count toward it. Last evaluated 2026-08-01.

Conditions:
Li-Fraumeni syndrome (LFS). Also called: Sarcoma family syndrome of Li and Fraumeni. Identifiers: Orphanet 524, MedGen C0085390, MONDO:0018875.
Familial pancreatic carcinoma. Identifiers: Orphanet 1333, MedGen C2931038, MONDO:0015278, OMIM 260350.
Hereditary cancer-predisposing syndrome. Also called: Neoplastic Syndromes, Hereditary; Hereditary Cancer Syndrome; Tumor predisposition; Hereditary neoplastic syndrome. Identifiers: Orphanet 140162, MedGen C0027672, MeSH D009386, MONDO:0015356.
Familial melanoma. Also called: Hereditary melanoma; Hereditary cutaneous melanoma. Identifiers: Orphanet 618, MedGen C1512419, MONDO:0018961.
Melanoma, cutaneous malignant, susceptibility to, 2 (CMM2). Also called: Cutaneous malignant melanoma 2; CDKN2A-Related Cutaneous Malignant Melanoma. Identifiers: Orphanet 618, MedGen C1835044, MONDO:0007964, OMIM 155601.
Melanoma-pancreatic cancer syndrome. Identifiers: Orphanet 404560, MedGen C1838547, MONDO:0011713, OMIM 606719. Disease mechanism: loss of function.

Allele frequency attached by ClinVar (database versions not stated): gnomAD exomes 0.00121 and 0.00313; ExAC 0.00450; 1000 Genomes Project 30x 0.00781; 1000 Genomes Project 0.00859; gnomAD 0.01173 and 0.01273; TOPMed 0.01320.
gnomAD v4.1: 3,559 of 1,542,830 alleles (0.23%); highest among the groups gnomAD compares: African/African-American, 3.9%; 63 homozygotes.

Submissions (24):

CeGaT Center for Human Genetics Tuebingen
Classification: Benign. Last evaluated: 2026-08-01. Review status: criteria provided, single submitter. Criteria: CeGaT Center For Human Genetics Tuebingen Variant Classification Criteria Version 2. Collection method: clinical testing. Allele origin: germline. Affected: yes. Observed: 12 variant alleles.
Comment: CDKN2A: BS1, BS2

Labcorp Genetics (formerly Invitae), Labcorp
Classification: Benign for Familial melanoma. Last evaluated: 2026-01-12. Review status: criteria provided, single submitter. Criteria: Invitae Variant Classification Sherloc (09022015). Collection method: clinical testing. Allele origin: germline.

Center for Genomic Medicine, Rigshospitalet, Copenhagen University Hospital
Classification: Benign. Last evaluated: 2025-03-04. Review status: criteria provided, single submitter. Criteria: ACMG Guidelines, 2015. Collection method: clinical testing. Allele origin: germline.

KCCC/NGS Laboratory, Kuwait Cancer Control Center
Classification: Benign for Melanoma, cutaneous malignant, susceptibility to, 2. Last evaluated: 2025-02-01. Review status: criteria provided, single submitter. Criteria: ACMG Guidelines, 2015. Collection method: clinical testing. Allele origin: germline. Affected: no.

ARUP Laboratories, Molecular Genetics and Genomics, ARUP Laboratories
Classification: Benign. Last evaluated: 2024-12-26. Review status: criteria provided, single submitter. Criteria: ARUP Molecular Germline Variant Investigation Process 2024. Collection method: clinical testing. Allele origin: germline.

Blueprint Genetics
Classification: Likely benign. Last evaluated: 2024-11-25. Review status: criteria provided, single submitter. Criteria: ACMG Guidelines, 2015. Collection method: clinical testing. Allele origin: germline.

Department of Pathology and Laboratory Medicine, Sinai Health System
Classification: Benign for Li-Fraumeni syndrome; Familial pancreatic carcinoma. Last evaluated: 2024-03-12. Review status: criteria provided, single submitter. Criteria: ACMG Guidelines, 2015. Collection method: clinical testing. Allele origin: germline. Affected: yes.

KCCC/NGS Laboratory, Kuwait Cancer Control Center
Classification: Benign for Melanoma-pancreatic cancer syndrome. Last evaluated: 2023-07-07. Review status: criteria provided, single submitter. Criteria: ACMG Guidelines, 2015. Collection method: clinical testing. Allele origin: germline. Affected: yes.

Myriad Genetics, Inc.
Classification: Benign for Melanoma-pancreatic cancer syndrome. Last evaluated: 2023-04-20. Review status: criteria provided, single submitter. Criteria: Myriad Autosomal Dominant, Autosomal Recessive and X-Linked Classification Criteria (2023). Collection method: clinical testing. Allele origin: unknown.
Comment: This variant is considered benign. This variant has been observed at a population frequency that is significantly greater than expected given the associated disease prevalence and penetrance.

GeneDx
Classification: Benign. Last evaluated: 2021-07-16. Review status: criteria provided, single submitter. Criteria: GeneDx Variant Classification Process June 2021. Collection method: clinical testing. Allele origin: germline. Affected: yes.
Comment: This variant is associated with the following publications: (PMID: 25980754, 14735200, 11078762, 25356972, 26775776, 18983535, 16397522, 21801156, 25318351, 18335566, 28830827, 20093296, 26581427)

Sema4
Classification: Benign for Hereditary cancer-predisposing syndrome. Last evaluated: 2020-01-30. Review status: criteria provided, single submitter. Criteria: Sema4 Curation Guidelines. Collection method: curation. Allele origin: germline.

Genetic Services Laboratory, University of Chicago
Classification: Benign. Last evaluated: 2019-08-23. Review status: criteria provided, single submitter. Criteria: ACMG Guidelines, 2015. Collection method: clinical testing. Allele origin: germline. Affected: no.

Mendelics
Classification: Benign for Melanoma-pancreatic cancer syndrome. Last evaluated: 2019-05-28. Review status: criteria provided, single submitter. Criteria: Mendelics Assertion Criteria 2017. Collection method: clinical testing. Allele origin: unknown.

Eurofins Ntd Llc (ga)
Classification: Benign. Last evaluated: 2018-03-16. Review status: criteria provided, single submitter. Criteria: EGL ClinVar v180209 classification definitions. Collection method: clinical testing. Allele origin: germline. Observed: 1 variant allele, 1 heterozygote.

Quest Diagnostics Nichols Institute San Juan Capistrano
Classification: Likely benign. Last evaluated: 2017-03-22. Review status: criteria provided, single submitter. Criteria: Quest Diagnostics criteria. Collection method: clinical testing. Allele origin: germline.

PreventionGenetics, part of Exact Sciences
Classification: Benign. Last evaluated: 2017-03-20. Review status: criteria provided, single submitter. Criteria: ACMG Guidelines, 2015. Collection method: clinical testing. Allele origin: germline.

Laboratory for Molecular Medicine, Mass General Brigham Personalized Medicine
Classification: Likely benign. Last evaluated: 2016-03-28. Review status: criteria provided, single submitter. Criteria: LMM Criteria. Collection method: clinical testing. Allele origin: germline.
Comment: Variant identified in a genome or exome case(s) and assessed due to predicted null impact of the variant or pathogenic assertions in the literature or databases. Disclaimer: This variant has not undergone full assessment. The following are preliminary notes: Variant identifed in melanoma patients and in vitro functional assay show mild impact on expression (Bisio_2010_20093296). Not related to our patient phenotype and and high allele frequency.

Ambry Genetics
Classification: Benign for Hereditary cancer-predisposing syndrome. Last evaluated: 2014-06-19. Review status: criteria provided, single submitter. Criteria: Ambry Autosomal Dominant and X-Linked criteria (10/2015). Collection method: clinical testing. Allele origin: germline. Observed: 1 variant allele.
Comment: General population or subpopulation frequency is too high to be a pathogenic mutation based on disease/syndrome prevalence and penetrance

Breakthrough Genomics
Classification: Likely benign. Review status: criteria provided, single submitter. Criteria: ACMG Guidelines, 2015. Collection method: not provided. Allele origin: germline. Inheritance: Autosomal dominant inheritance. Affected: yes.

Counsyl
Classification: Benign for Melanoma-pancreatic cancer syndrome. Last evaluated: 2016-05-25. Review status: no assertion criteria provided. Collection method: clinical testing. Allele origin: unknown. Not counted in ClinVar's aggregate classification.

Dr. Peter K. Rogan Lab, Western University
No classification provided (evidence only). Condition: Malignant tumor of urinary bladder. Review status: no classification provided. Collection method: in vitro. Allele origin: not applicable. Functional consequence: retained intron. Not counted in ClinVar's aggregate classification.

Dr. Peter K. Rogan Lab, Western University
No classification provided (evidence only). Condition: Uterine corpus endometrial carcinoma. Review status: no classification provided. Collection method: in vitro. Allele origin: not applicable. Functional consequence: retained intron. Not counted in ClinVar's aggregate classification.

Dr. Peter K. Rogan Lab, Western University
No classification provided (evidence only). Condition: Uterine corpus endometrial carcinoma. Review status: no classification provided. Collection method: in vitro. Allele origin: not applicable. Functional consequence: retained intron. Not counted in ClinVar's aggregate classification.

Dr. Peter K. Rogan Lab, Western University
No classification provided (evidence only). Condition: Cervical cancer. Review status: no classification provided. Collection method: in vitro. Allele origin: not applicable. Functional consequence: retained intron. Not counted in ClinVar's aggregate classification.

Literature cited by the submitters: PubMed 14735200 (cited by Quest Diagnostics Nichols Institute San Juan Capistrano and Counsyl); PubMed 20093296 (cited by Quest Diagnostics Nichols Institute San Juan Capistrano and Counsyl); PubMed 16397522 (cited by Quest Diagnostics Nichols Institute San Juan Capistrano and Counsyl); PubMed 18983535 (cited by Quest Diagnostics Nichols Institute San Juan Capistrano); PubMed 25318351 (cited by Quest Diagnostics Nichols Institute San Juan Capistrano); PubMed 25980754 (cited by Quest Diagnostics Nichols Institute San Juan Capistrano and Counsyl); PubMed 26581427 (cited by Quest Diagnostics Nichols Institute San Juan Capistrano and Counsyl); PubMed 26775776 (cited by Quest Diagnostics Nichols Institute San Juan Capistrano); PubMed 26498684 (cited by Quest Diagnostics Nichols Institute San Juan Capistrano); PubMed 21801156 (cited by Quest Diagnostics Nichols Institute San Juan Capistrano and Counsyl); PubMed 18335566 (cited by Counsyl); PubMed 25356972 (cited by Counsyl); PubMed 25186627 (cited by Counsyl).

NM_000077.5(CDKN2A):c.-25C>T

Genes: CDKN2A (cyclin dependent kinase inhibitor 2A; minus strand), LOC130001603 (ATAC-STARR-seq lymphoblastoid silent region 19811; plus strand). Cytogenetic location: 9p21.3.
Variant type: single nucleotide variant.
Coding change: c.-25C>T on transcript NM_000077.5; 25 bases upstream of the start codon, C replaced by T.
Molecular consequence: 5 prime UTR variant (on NM_001195132.2). On other transcripts: intron variant (2).
Genome position (GRCh38, 1-based): chr9:21,974,852, G>A on the plus strand (C>T on the coding strand, the complement: CDKN2A is on the minus strand). VCF-style: chr9-21974852-G-A. GRCh37 (hg19) VCF-style: chr9-21974851-G-A.
Other names: c.-25C>T (NM_000077.6, NM_001195132.2, NM_058197.5); c.-3-3644C>T (NM_001363763.2); c.194-3644C>T (NM_058195.4).
Identifiers: ClinVar variation 127522 (VCV000127522.61), dbSNP rs144481587, ClinGen allele CA151466.